The following is an entry in ClinVar:

NM_004336.5(BUB1):c.1112C>T (p.Ala371Val)

Gene: BUB1 (BUB1 mitotic checkpoint serine/threonine kinase; minus strand). Cytogenetic location: 2q13.
Variant type: single nucleotide variant.
Coding change: c.1112C>T on transcript NM_004336.5 (MANE Select); coding-DNA position 1112, C replaced by T.
Protein change: p.Ala371Val; replaces alanine 371 with valine.
Molecular consequence: missense variant.
Genome position (GRCh38, 1-based): chr2:110,661,687, G>A on the plus strand (C>T on the coding strand, the complement: BUB1 is on the minus strand). VCF-style: chr2-110661687-G-A. GRCh37 (hg19) VCF-style: chr2-111419264-G-A.
Other names: c.1052C>T, p.Ala351Val (NM_001278616.2); c.1112C>T, p.Ala371Val (NM_001278617.2); short protein forms A351V, A371V.
Identifiers: ClinVar variation 2446965 (VCV002446965.2), dbSNP rs2468017432, ClinGen allele CA348214386.
Genomic context (GRCh38, chr2:110,661,687, plus strand): 5'-TGGGCTTTCAAAGGAACAGGAGGAGCAATGCTCTGGCTGGTGGCTGGGGACACCAAAGCT[G>A]CAGAAATAGCATTTGCCAAAGGAGGAACAACAGGAGGTGCCTCTCTTGGGTTCTTTTCCA-3'
Protein context (NP_004327.1, residues 361-381): VVPPLANAIS[Ala371Val]ALVSPATSQS

ClinVar aggregate classification (germline): Uncertain significance (1 of 4 stars; one submission).

Submission:

Ambry Genetics
Classification: Uncertain significance. Last evaluated: 2022-11-13. Review status: criteria provided, single submitter. Criteria: Ambry Variant Classification Scheme 2023. Collection method: clinical testing. Allele origin: germline.
Comment: The p.A371V variant (also known as c.1112C>T), located in coding exon 10 of the BUB1 gene, results from a C to T substitution at nucleotide position 1112. The alanine at codon 371 is replaced by valine, an amino acid with similar properties. This amino acid position is conserved. In addition, this alteration is predicted to be tolerated by in silico analysis. Since supporting evidence is limited at this time, the clinical significance of this alteration remains unclear.